The following is an entry in ClinVar:

ClinVar aggregate classification (germline): Uncertain significance (1 of 4 stars; one submission).

Conditions:
Lafora disease. Also called: Epilepsy progressive myoclonic 2; Progressive Myoclonus Epilepsy, Lafora Type. Identifiers: Orphanet 501, MedGen C0751783, MONDO:0009697.

Submission:

Labcorp Genetics (formerly Invitae), Labcorp
Classification: Uncertain significance for Lafora disease. Last evaluated: 2022-09-16. Review status: criteria provided, single submitter. Criteria: Invitae Variant Classification Sherloc (09022015). Collection method: clinical testing. Allele origin: germline.
Comment: This variant is present in population databases (no rsID available, gnomAD 0.002%). In summary, the available evidence is currently insufficient to determine the role of this variant in disease. Therefore, it has been classified as a Variant of Uncertain Significance. Experimental studies and prediction algorithms are not available or were not evaluated, and the functional significance of this variant is currently unknown. This variant has not been reported in the literature in individuals affected with NHLRC1-related conditions. This sequence change disrupts the translational stop signal of the NHLRC1 mRNA. It is expected to extend the length of the NHLRC1 protein by 23 additional amino acid residues.

NM_198586.3(NHLRC1):c.1185del (p.Ter396AspextTer?)

Gene: NHLRC1 (NHL repeat containing E3 ubiquitin protein ligase 1; minus strand). Cytogenetic location: 6p22.3.
Variant type: Deletion.
Coding change: c.1185del on transcript NM_198586.3 (MANE Select); coding-DNA position 1185, one base deleted (G; older notation c.1185delG).
Protein change: p.Ter396AspextTer?.
Molecular consequence: frameshift variant.
Genome position (GRCh38, 1-based): chr6:18,121,422, C deleted on the plus strand (G on the coding strand, the reverse complement: NHLRC1 is on the minus strand); the first of 5 consecutive C bases (chr6:18,121,422-18,121,426); deleting any one gives the same sequence. VCF-style (leftmost placement, unchanged base first): chr6-18121421-AC-A. GRCh37 (hg19) VCF-style: chr6-18121652-AC-A.
Identifiers: ClinVar variation 2417565 (VCV002417565.6), dbSNP rs750770846, ClinGen allele CA362824438.